The following is an entry in ClinVar:

NM_017838.4(NHP2):c.231-9T>C

Gene: NHP2 (NHP2 ribonucleoprotein; minus strand). Cytogenetic location: 5q35.3.
Variant type: single nucleotide variant.
Coding change: c.231-9T>C on transcript NM_017838.4 (MANE Select); 9 bases into the intron before coding-DNA position 231, T replaced by C.
Molecular consequence: intron variant.
Genome position (GRCh38, 1-based): chr5:178,151,002, A>G on the plus strand (T>C on the coding strand, the complement: NHP2 is on the minus strand). VCF-style: chr5-178151002-A-G. GRCh37 (hg19) VCF-style: chr5-177578003-A-G.
Other names: c.231-1164T>C (NM_001034833.2); c.231-9T>C (NM_001396110.1).
Identifiers: ClinVar variation 2891710 (VCV002891710.3), dbSNP rs2480684095, ClinGen allele CA2739272797.

ClinVar aggregate classification (germline): Uncertain significance (1 of 4 stars; one submission).

Conditions:
Dyskeratosis congenita. Identifiers: Orphanet 1775, MedGen C0265965, MONDO:0015780.

Submission:

Labcorp Genetics (formerly Invitae), Labcorp
Classification: Uncertain significance for Dyskeratosis congenita. Last evaluated: 2023-02-14. Review status: criteria provided, single submitter. Criteria: Invitae Variant Classification Sherloc (09022015). Collection method: clinical testing. Allele origin: germline.
Comment: This sequence change falls in intron 2 of the NHP2 gene. It does not directly change the encoded amino acid sequence of the NHP2 protein. This variant is not present in population databases (gnomAD no frequency). This variant has not been reported in the literature in individuals affected with NHP2-related conditions. Algorithms developed to predict the effect of sequence changes on RNA splicing suggest that this variant may disrupt the consensus splice site. In summary, the available evidence is currently insufficient to determine the role of this variant in disease. Therefore, it has been classified as a Variant of Uncertain Significance.